The following is an entry in ClinVar:

NM_025179.4(PLXNA2):c.2434G>A (p.Gly812Ser)

Gene: PLXNA2 (plexin A2; minus strand). Cytogenetic location: 1q32.2.
Variant type: single nucleotide variant.
Coding change: c.2434G>A on transcript NM_025179.4 (MANE Select); coding-DNA position 2434, G replaced by A.
Protein change: p.Gly812Ser; replaces glycine 812 with serine.
Molecular consequence: missense variant.
Genome position (GRCh38, 1-based): chr1:208,079,412, C>T on the plus strand (G>A on the coding strand, the complement: PLXNA2 is on the minus strand). VCF-style: chr1-208079412-C-T. GRCh37 (hg19) VCF-style: chr1-208252757-C-T.
Other names: short protein forms G812S.
Identifiers: ClinVar variation 4990429 (VCV004990429.1).

ClinVar aggregate classification (germline): Uncertain significance (1 of 4 stars; one submission).

Conditions:
PLXNA2-related disorder. Also called: PLXNA2-related condition.

Submission:

PreventionGenetics, part of Exact Sciences
Classification: Uncertain significance for PLXNA2-related condition. Last evaluated: 2025-08-15. Review status: criteria provided, single submitter. Criteria: ACMG Guidelines, 2015. Collection method: clinical testing. Allele origin: germline.
Comment: The PLXNA2 c.2434G>A variant is predicted to result in the amino acid substitution p.Gly812Ser. To our knowledge, this variant has not been reported in the literature. This variant is reported in 0.00091% of alleles in individuals of European (Non-Finnish) descent in gnomAD. At this time, the clinical significance of this variant is uncertain due to the absence of conclusive functional and genetic evidence.